The following is an entry in ClinVar:

ClinVar aggregate classification (germline): Pathogenic. Review status: criteria provided, multiple submitters, no conflicts (2 of 4 stars). 5 submissions from 5 submitters: Pathogenic (5). Last evaluated 2025-03-04.

Conditions:
Hereditary cancer-predisposing syndrome. Also called: Hereditary neoplastic syndrome; Tumor predisposition; Hereditary Cancer Syndrome; Neoplastic Syndromes, Hereditary. Identifiers: Orphanet 140162, MedGen C0027672, MeSH D009386, MONDO:0015356.
Familial cancer of breast. Also called: Hereditary breast cancer; hereditary breast carcinoma; BREAST CANCER, FAMILIAL. Identifiers: Orphanet 227535, MedGen C0346153, MONDO:0016419, OMIM 114480. Disease mechanism: loss of function.

Submissions (5):

Center for Genomic Medicine, Rigshospitalet, Copenhagen University Hospital
Classification: Pathogenic. Last evaluated: 2025-03-04. Review status: criteria provided, single submitter. Criteria: ACMG Guidelines, 2015. Collection method: clinical testing. Allele origin: germline.

Myriad Genetics, Inc.
Classification: Pathogenic for Familial cancer of breast. Last evaluated: 2023-09-12. Review status: criteria provided, single submitter. Criteria: Myriad Autosomal Dominant, Autosomal Recessive and X-Linked Classification Criteria (2023). Collection method: clinical testing. Allele origin: unknown.
Comment: This variant is considered pathogenic. This variant creates a termination codon and is predicted to result in premature protein truncation.

Labcorp Genetics (formerly Invitae), Labcorp
Classification: Pathogenic for Familial cancer of breast. Last evaluated: 2023-02-27. Review status: criteria provided, single submitter. Criteria: Invitae Variant Classification Sherloc (09022015). Collection method: clinical testing. Allele origin: germline.
Comment: This variant has not been reported in the literature in individuals affected with PALB2-related conditions. This variant is not present in population databases (gnomAD no frequency). This sequence change creates a premature translational stop signal (p.Gln822*) in the PALB2 gene. It is expected to result in an absent or disrupted protein product. Loss-of-function variants in PALB2 are known to be pathogenic (PMID: 17200668, 17200671, 17200672, 24136930, 25099575). For these reasons, this variant has been classified as Pathogenic. ClinVar contains an entry for this variant (Variation ID: 492184).

Ambry Genetics
Classification: Pathogenic for Hereditary cancer-predisposing syndrome. Last evaluated: 2022-04-04. Review status: criteria provided, single submitter. Criteria: Ambry Variant Classification Scheme 2023. Collection method: clinical testing. Allele origin: germline.
Comment: The p.Q822* pathogenic mutation (also known as c.2464C>T), located in coding exon 5 of the PALB2 gene, results from a C to T substitution at nucleotide position 2464. This changes the amino acid from a glutamine to a stop codon within coding exon 5. This variant is considered to be rare based on population cohorts in the Genome Aggregation Database (gnomAD). This alteration is expected to result in loss of function by premature protein truncation or nonsense-mediated mRNA decay. As such, this alteration is interpreted as a disease-causing mutation.

Color Diagnostics, LLC DBA Color Health
Classification: Pathogenic for Hereditary cancer-predisposing syndrome. Last evaluated: 2022-03-14. Review status: criteria provided, single submitter. Criteria: ACMG Guidelines, 2015. Collection method: clinical testing. Allele origin: germline.
Comment: This variant changes 1 nucleotide in exon 5 of the PALB2 gene, creating a premature translation stop signal. This variant is expected to result in an absent or non-functional protein product. To our knowledge, this variant has not been reported in individuals affected with hereditary cancer in the literature. This variant has not been identified in the general population by the Genome Aggregation Database (gnomAD). Loss of PALB2 function is a known mechanism of disease. Based on the available evidence, this variant is classified as Pathogenic.

Literature cited by the submitters: PubMed 17200668 (cited by Labcorp Genetics (formerly Invitae), Labcorp); PubMed 17200671 (cited by Labcorp Genetics (formerly Invitae), Labcorp); PubMed 17200672 (cited by Labcorp Genetics (formerly Invitae), Labcorp); PubMed 24136930 (cited by Labcorp Genetics (formerly Invitae), Labcorp); PubMed 25099575 (cited by Labcorp Genetics (formerly Invitae), Labcorp).

NM_024675.4(PALB2):c.2464C>T (p.Gln822Ter)

Gene: PALB2 (partner and localizer of BRCA2; minus strand). Cytogenetic location: 16p12.2.
Variant type: single nucleotide variant.
Coding change: c.2464C>T on transcript NM_024675.4 (MANE Select); coding-DNA position 2464, C replaced by T.
Protein change: p.Gln822Ter; replaces glutamine 822 with a stop codon.
Molecular consequence: nonsense.
Genome position (GRCh38, 1-based): chr16:23,629,690, G>A on the plus strand (C>T on the coding strand, the complement: PALB2 is on the minus strand). VCF-style: chr16-23629690-G-A. GRCh37 (hg19) VCF-style: chr16-23641011-G-A.
Other names: short protein forms Q822*.
Identifiers: ClinVar variation 492184 (VCV000492184.18), dbSNP rs1555460323, ClinGen allele CA395124102.